The following is an entry in ClinVar:

NM_001211.6(BUB1B):c.7G>A (p.Ala3Thr)

Genes: BUB1B (BUB1 mitotic checkpoint serine/threonine kinase B; plus strand), LOC130056830 (ATAC-STARR-seq lymphoblastoid active region 9236; plus strand). Cytogenetic location: 15q15.1.
Variant type: single nucleotide variant.
Coding change: c.7G>A on transcript NM_001211.6 (MANE Select); coding-DNA position 7, G replaced by A.
Protein change: p.Ala3Thr; replaces alanine 3 with threonine.
Molecular consequence: missense variant.
Genome position (GRCh38, 1-based): chr15:40,161,227, G>A. VCF-style: chr15-40161227-G-A. GRCh37 (hg19) VCF-style: chr15-40453428-G-A.
Other names: short protein forms A3T.
Identifiers: ClinVar variation 1761599 (VCV001761599.2), dbSNP rs752991610, ClinGen allele CA7475312.
Genomic context (GRCh38, chr15:40,161,227, plus strand): 5'-GTGGCCCAGAGGAAAGGCCTGCAGCAGGACGAGGACCTGAGCCAGGAATGCAGGATGGCG[G>A]CGGTGAAGAAGGAAGGGGGTGCTCTGAGGTAGGTACGGGAGAAAGCTGCTGGGGGCTGGG-3'
Protein context (NP_001202.5, residues 1-13): MA[Ala3Thr]VKKEGGALSE

ClinVar aggregate classification (germline): Uncertain significance (1 of 4 stars; one submission).

Conditions:
Inborn genetic diseases. Identifiers: MedGen C0950123, MeSH D030342.

Allele frequency attached by ClinVar (database versions not stated): gnomAD exomes below 0.00001; ExAC 0.00001.
gnomAD v4.1: 1 of 1,613,534 alleles (0.000062%); highest among the groups gnomAD compares: South Asian, 0.0011%; no homozygotes.

Submission:

Ambry Genetics
Classification: Uncertain significance for Inborn genetic diseases. Last evaluated: 2022-02-06. Review status: criteria provided, single submitter. Criteria: Ambry Variant Classification Scheme 2023. Collection method: clinical testing. Allele origin: germline.
Comment: The p.A3T variant (also known as c.7G>A), located in coding exon 1 of the BUB1B gene, results from a G to A substitution at nucleotide position 7. The alanine at codon 3 is replaced by threonine, an amino acid with similar properties. This amino acid position is conserved. In addition, this alteration is predicted to be tolerated by in silico analysis. Since supporting evidence is limited at this time, the clinical significance of this alteration remains unclear.